The following is an entry in ClinVar:

ClinVar aggregate classification (germline): Uncertain significance (1 of 4 stars; one submission).

Allele frequency attached by ClinVar (database versions not stated): gnomAD 0.00001; TOPMed 0.00001; ExAC 0.00002; gnomAD exomes 0.00004.
gnomAD v4.1: 56 of 1,613,648 alleles (0.0035%); highest among the groups gnomAD compares: Non-Finnish European, 0.0046%; no homozygotes.

Submission:

Labcorp Genetics (formerly Invitae), Labcorp
Classification: Uncertain significance. Last evaluated: 2024-10-27. Review status: criteria provided, single submitter. Criteria: Invitae Variant Classification Sherloc (09022015). Collection method: clinical testing. Allele origin: germline.
Comment: This sequence change replaces isoleucine, which is neutral and non-polar, with valine, which is neutral and non-polar, at codon 65 of the RPSA protein (p.Ile65Val). This variant is present in population databases (rs747434456, gnomAD 0.003%). This variant has not been reported in the literature in individuals affected with RPSA-related conditions. Invitae Evidence Modeling of protein sequence and biophysical properties (such as structural, functional, and spatial information, amino acid conservation, physicochemical variation, residue mobility, and thermodynamic stability) indicates that this missense variant is not expected to disrupt RPSA protein function with a negative predictive value of 80%. In summary, the available evidence is currently insufficient to determine the role of this variant in disease. Therefore, it has been classified as a Variant of Uncertain Significance.

NM_002295.6(RPSA):c.193A>G (p.Ile65Val)

Gene: RPSA (ribosomal protein SA; plus strand). Cytogenetic location: 3p22.1.
Variant type: single nucleotide variant.
Coding change: c.193A>G on transcript NM_002295.6 (MANE Select); coding-DNA position 193, A replaced by G.
Protein change: p.Ile65Val; replaces isoleucine 65 with valine.
Molecular consequence: missense variant.
Genome position (GRCh38, 1-based): chr3:39,408,665, A>G. VCF-style: chr3-39408665-A-G. GRCh37 (hg19) VCF-style: chr3-39450156-A-G.
Other names: c.193A>G, p.Ile65Val (NM_001012321.1, NM_001304288.2); short protein forms I65V.
Identifiers: ClinVar variation 2987083 (VCV002987083.3), dbSNP rs747434456, ClinGen allele CA2327720.